The following is an entry in ClinVar:

NM_006031.6(PCNT):c.2473G>C (p.Glu825Gln)

Gene: PCNT (pericentrin; plus strand). Cytogenetic location: 21q22.3.
Variant type: single nucleotide variant.
Coding change: c.2473G>C on transcript NM_006031.6 (MANE Select); coding-DNA position 2473, G replaced by C.
Protein change: p.Glu825Gln; replaces glutamic acid 825 with glutamine.
Molecular consequence: missense variant.
Genome position (GRCh38, 1-based): chr21:46,363,798, G>C. VCF-style: chr21-46363798-G-C. GRCh37 (hg19) VCF-style: chr21-47783713-G-C.
Other names: c.2119G>C, p.Glu707Gln (NM_001315529.2); short protein forms E707Q, E825Q.
Identifiers: ClinVar variation 3345756 (VCV003345756.1).
Genomic context (GRCh38, chr21:46,363,798, plus strand): 5'-GCCCAGATCCTGGATCTGGAGAGGTCCTTGACGGAGCAGCAGGGCCGCCTGCAGCAGCTG[G>C]AACAGGACCTCACTTCAGACGACGCCCTGCATTGCAGCCAGTGTGGGCGGGAGCCGCCCA-3'
Protein context (NP_006022.3, residues 815-835): TEQQGRLQQL[Glu825Gln]QDLTSDDALH

ClinVar aggregate classification (germline): Uncertain significance (0 of 4 stars; one submission).

Conditions:
PCNT-related disorder. Also called: PCNT-related condition.

Submission:

PreventionGenetics, part of Exact Sciences
Classification: Uncertain significance for PCNT-related condition. Last evaluated: 2024-05-10. Review status: no assertion criteria provided. Collection method: clinical testing. Allele origin: germline.
Comment: The PCNT c.2473G>C variant is predicted to result in the amino acid substitution p.Glu825Gln. To our knowledge, this variant has not been reported in the literature or in a large population database, indicating this variant is rare. At this time, the clinical significance of this variant is uncertain due to the absence of conclusive functional and genetic evidence.